The following is an entry in ClinVar:

ClinVar aggregate classification (germline): Conflicting classifications of pathogenicity. Review status: criteria provided, conflicting classifications (1 of 4 stars). 2 submissions from 2 submitters: Uncertain significance (1); Likely benign (1). Last evaluated 2026-06-09.

Conditions:
Alpha thalassemia-X-linked intellectual disability syndrome (ATRX). Also called: ALPHA-THALASSEMIA/MENTAL RETARDATION SYNDROME, X-LINKED; ATR, NONDELETION TYPE; ATR-X syndrome; Alpha thalassemia mental retardation syndrome, nondeletion type, X-linked; XLMR hypotonic face syndrome; X-linked alpha-thalassemia-mental retardation syndrome. Identifiers: Orphanet 847, MedGen C1845055, MONDO:0010519, OMIM 301040.
Inborn genetic diseases. Identifiers: MedGen C0950123, MeSH D030342.

Allele frequency attached by ClinVar (database versions not stated): gnomAD exomes below 0.00001; TOPMed below 0.00001; ExAC 0.00001.
gnomAD v4.1: 1 of 1,209,880 alleles (0.000083%); highest among the groups gnomAD compares: Admixed American, 0.0022%; no homozygotes.

Submissions (2):

Ambry Genetics
Classification: Uncertain significance for Inborn genetic diseases. Last evaluated: 2026-06-09. Review status: criteria provided, single submitter. Criteria: Ambry Variant Classification Scheme 2023. Collection method: clinical testing. Allele origin: germline.
Comment: The c.3878A>G (p.D1293G) alteration is located in exon 11 (coding exon 11) of the ATRX gene. This alteration results from a A to G substitution at nucleotide position 3878, causing the aspartic acid (D) at amino acid position 1293 to be replaced by a glycine (G). Based on data from gnomAD, the G allele has an overall frequency of <0.001% (1/183135) total alleles studied. The highest observed frequency was 0.004% (1/27413) of Latino alleles. Based on insufficient or conflicting evidence, the clinical significance of this alteration remains unclear.

Labcorp Genetics (formerly Invitae), Labcorp
Classification: Likely benign for Alpha thalassemia-X-linked intellectual disability syndrome. Last evaluated: 2024-01-17. Review status: criteria provided, single submitter. Criteria: Invitae Variant Classification Sherloc (09022015). Collection method: clinical testing. Allele origin: germline.

NM_000489.6(ATRX):c.3878A>G (p.Asp1293Gly)

Gene: ATRX (ATRX chromatin remodeler; minus strand). Cytogenetic location: Xq21.1.
Variant type: single nucleotide variant.
Coding change: c.3878A>G on transcript NM_000489.6 (MANE Select); coding-DNA position 3878, A replaced by G.
Protein change: p.Asp1293Gly; replaces aspartic acid 1293 with glycine.
Molecular consequence: missense variant.
Genome position (GRCh38, 1-based): chrX:77,664,710, T>C on the plus strand (A>G on the coding strand, the complement: ATRX is on the minus strand). VCF-style: chrX-77664710-T-C. GRCh37 (hg19) VCF-style: chrX-76920199-T-C.
Other names: c.3764A>G, p.Asp1255Gly (NM_138270.5); c.3878A>G (NM_000489.3); short protein forms D1255G, D1293G.
Identifiers: ClinVar variation 2079159 (VCV002079159.5), dbSNP rs782663912, ClinGen allele CA10457880.